The following is an entry in ClinVar:

NM_002224.4(ITPR3):c.1647C>T (p.Tyr549=)

Gene: ITPR3 (inositol 1,4,5-trisphosphate receptor type 3; plus strand). Cytogenetic location: 6p21.31.
Variant type: single nucleotide variant.
Coding change: c.1647C>T on transcript NM_002224.4 (MANE Select); coding-DNA position 1647, C replaced by T.
Protein change: p.Tyr549=; no amino-acid change (tyrosine 549 retained).
Molecular consequence: synonymous variant.
Genome position (GRCh38, 1-based): chr6:33,667,224, C>T. VCF-style: chr6-33667224-C-T. GRCh37 (hg19) VCF-style: chr6-33635001-C-T.
Identifiers: ClinVar variation 4084364 (VCV004084364.8).

ClinVar aggregate classification (germline): Likely benign (1 of 4 stars; one submission).

gnomAD v4.1: 68 of 1,613,862 alleles (0.0042%); highest among the groups gnomAD compares: Non-Finnish European, 0.0056%; no homozygotes.

Submission:

CeGaT Center for Human Genetics Tuebingen
Classification: Likely benign. Last evaluated: 2025-08-01. Review status: criteria provided, single submitter. Criteria: CeGaT Center For Human Genetics Tuebingen Variant Classification Criteria Version 2. Collection method: clinical testing. Allele origin: germline. Affected: yes. Observed: 1 variant allele.
Comment: ITPR3: BP4, BP7